The following is an entry in ClinVar:

NM_181882.3(PRX):c.80C>G (p.Thr27Ser)

Genes: PRX (periaxin; minus strand), LOC130064454 (ATAC-STARR-seq lymphoblastoid active region 14650; plus strand). Cytogenetic location: 19q13.2.
Variant type: single nucleotide variant.
Coding change: c.80C>G on transcript NM_181882.3 (MANE Select); coding-DNA position 80, C replaced by G.
Protein change: p.Thr27Ser; replaces threonine 27 with serine.
Molecular consequence: missense variant.
Genome position (GRCh38, 1-based): chr19:40,403,810, G>C on the plus strand (C>G on the coding strand, the complement: PRX is on the minus strand). VCF-style: chr19-40403810-G-C. GRCh37 (hg19) VCF-style: chr19-40909717-G-C.
Other names: c.365C>G, p.Thr122Ser (NM_001411127.1); c.80C>G, p.Thr27Ser (NM_020956.2); short protein forms T122S, T27S.
Identifiers: ClinVar variation 3768491 (VCV003768491.1).
Genomic context (GRCh38, chr19:40,403,810, plus strand): 5'-AGCTCCCGAACGAAGATTCCCTCTTTGCCGCCGCCCGCTACGTTGATGCCGCTGACCCCG[G>C]TCTGCGCCTCCGTCTCCACGATAATTTCCACCAACTCCGCCCGCCTCAGCTCCTGCAGAG-3'
Protein context (NP_870998.2, residues 17-37): VEIIVETEAQ[Thr27Ser]GVSGINVAGG

ClinVar aggregate classification (germline): Uncertain significance (1 of 4 stars; one submission).

Submission:

Women's Health and Genetics/Laboratory Corporation of America, LabCorp
Classification: Uncertain significance. Last evaluated: 2024-12-30. Review status: criteria provided, single submitter. Criteria: LabCorp Variant Classification Summary - May 2015. Collection method: clinical testing. Allele origin: germline.
Comment: Variant summary: PRX c.80C>G (p.Thr27Ser) results in a conservative amino acid change located in the PDZ domain (IPR001478) of the encoded protein sequence. Four of five in-silico tools predict a benign effect of the variant on protein function. The variant was absent in 239002 control chromosomes. The available data on variant occurrences in the general population are insufficient to allow any conclusion about variant significance. To our knowledge, no occurrence of c.80C>G in individuals affected with Charcot-Marie-Tooth disease type 4F and no experimental evidence demonstrating its impact on protein function have been reported. No submitters have cited clinical-significance assessments for this variant to ClinVar. Based on the evidence outlined above, the variant was classified as uncertain significance.